The following is an entry in ClinVar:

NM_000455.5(STK11):c.933del (p.Lys312fs)

Gene: STK11 (serine/threonine kinase 11; plus strand). Cytogenetic location: 19p13.3.
Variant type: Deletion.
Coding change: c.933del on transcript NM_000455.5 (MANE Select); coding-DNA position 933, one base deleted (G; older notation c.933delG).
Protein change: p.Lys312fs; shifts the reading frame from lysine 312.
Molecular consequence: frameshift variant.
Genome position (GRCh38, 1-based): chr19:1,222,997, G deleted. VCF-style (leftmost placement, unchanged base first): chr19-1222996-AG-A. GRCh37 (hg19) VCF-style: chr19-1222995-AG-A.
Other names: short protein forms K312fs.
Identifiers: ClinVar variation 963715 (VCV000963715.7), dbSNP rs2080795769, ClinGen allele CA1139666160.

ClinVar aggregate classification (germline): Pathogenic (1 of 4 stars; one submission).

Conditions:
Peutz-Jeghers syndrome (PJS). Also called: Peutz-Jeghers polyposis; Periorificial lentiginosis syndrome; POLYPOSIS, HAMARTOMATOUS INTESTINAL; POLYPS-AND-SPOTS SYNDROME. Identifiers: Orphanet 2869, MedGen C0031269, MeSH D010580, MONDO:0008280, OMIM 175200.

Submission:

Labcorp Genetics (formerly Invitae), Labcorp
Classification: Pathogenic for Peutz-Jeghers syndrome. Last evaluated: 2019-07-14. Review status: criteria provided, single submitter. Criteria: Invitae Variant Classification Sherloc (09022015). Collection method: clinical testing. Allele origin: germline.
Comment: This variant has not been reported in the literature in individuals with STK11-related conditions. This sequence change creates a premature translational stop signal (p.Lys312Asnfs*24) in the STK11 gene. It is expected to result in an absent or disrupted protein product. This variant is not present in population databases (ExAC no frequency). Loss-of-function variants in STK11 are known to be pathogenic (PMID: 15188174, 16287113). For these reasons, this variant has been classified as Pathogenic.

Literature cited by the submitters: PubMed 15188174; PubMed 16287113.